The following is an entry in ClinVar:

ClinVar aggregate classification (germline): Uncertain significance. Review status: criteria provided, multiple submitters, no conflicts (2 of 4 stars). 3 submissions from 3 submitters: Uncertain significance (3). Last evaluated 2026-06-08.

Conditions:
Cardiovascular phenotype. Identifiers: MedGen CN230736.

Allele frequency attached by ClinVar (database versions not stated): TOPMed 0.00001; gnomAD 0.00001.
gnomAD v4.1: 14 of 1,455,732 alleles (0.00096%); highest among the groups gnomAD compares: South Asian, 0.0014%; no homozygotes.

Submissions (3):

Women's Health and Genetics/Laboratory Corporation of America, LabCorp
Classification: Uncertain significance. Last evaluated: 2026-06-08. Review status: criteria provided, single submitter. Criteria: LabCorp Variant Classification Summary - May 2015. Collection method: clinical testing. Allele origin: germline.

Ambry Genetics
Classification: Uncertain significance for Cardiovascular phenotype. Last evaluated: 2023-10-24. Review status: criteria provided, single submitter. Criteria: Ambry Variant Classification Scheme 2023. Collection method: clinical testing. Allele origin: germline.
Comment: The p.P1019L variant (also known as c.3056C>T), located in coding exon 1 of the ZNF469 gene, results from a C to T substitution at nucleotide position 3056. The proline at codon 1019 is replaced by leucine, an amino acid with similar properties. This amino acid position is conserved. In addition, this alteration is predicted to be tolerated by in silico analysis. Since supporting evidence is limited at this time, the clinical significance of this alteration remains unclear.

Labcorp Genetics (formerly Invitae), Labcorp
Classification: Uncertain significance. Last evaluated: 2021-08-14. Review status: criteria provided, single submitter. Criteria: Invitae Variant Classification Sherloc (09022015). Collection method: clinical testing. Allele origin: germline.
Comment: This sequence change replaces proline with leucine at codon 1019 of the ZNF469 protein (p.Pro1019Leu). The proline residue is weakly conserved and there is a moderate physicochemical difference between proline and leucine. The frequency data for this variant in the population databases is considered unreliable, as metrics indicate insufficient coverage at this position in the ExAC database. This variant has not been reported in the literature in individuals affected with ZNF469-related conditions. Algorithms developed to predict the effect of missense changes on protein structure and function output the following: SIFT: "Tolerated"; PolyPhen-2: "Possibly Damaging"; Align-GVGD: "Class C0". The leucine amino acid residue is found in multiple mammalian species, which suggests that this missense change does not adversely affect protein function. In summary, the available evidence is currently insufficient to determine the role of this variant in disease. Therefore, it has been classified as a Variant of Uncertain Significance.

NM_001367624.2(ZNF469):c.3056C>T (p.Pro1019Leu)

Gene: ZNF469 (zinc finger protein 469; plus strand). Cytogenetic location: 16q24.2.
Variant type: single nucleotide variant.
Coding change: c.3056C>T on transcript NM_001367624.2 (MANE Select); coding-DNA position 3056, C replaced by T.
Protein change: p.Pro1019Leu; replaces proline 1019 with leucine.
Molecular consequence: missense variant.
Genome position (GRCh38, 1-based): chr16:88,430,526, C>T. VCF-style: chr16-88430526-C-T. GRCh37 (hg19) VCF-style: chr16-88496934-C-T.
Other names: NM_001127464.1:c.3056C>T; short protein forms P1019L.
Identifiers: ClinVar variation 1399901 (VCV001399901.7), dbSNP rs1212528979, ClinGen allele CA397077080.